The following is an entry in ClinVar:

NM_004655.4(AXIN2):c.952A>G (p.Ser318Gly)

Gene: AXIN2 (axin 2; minus strand). Cytogenetic location: 17q24.1.
Variant type: single nucleotide variant.
Coding change: c.952A>G on transcript NM_004655.4 (MANE Select); coding-DNA position 952, A replaced by G.
Protein change: p.Ser318Gly; replaces serine 318 with glycine.
Molecular consequence: missense variant.
Genome position (GRCh38, 1-based): chr17:65,549,524, T>C on the plus strand (A>G on the coding strand, the complement: AXIN2 is on the minus strand). VCF-style: chr17-65549524-T-C. GRCh37 (hg19) VCF-style: chr17-63545642-T-C.
Other names: c.952A>G (LRG_296t1); c.952A>G, p.Ser318Gly (NM_001363813.1); short protein forms S318G.
Identifiers: ClinVar variation 533173 (VCV000533173.14), dbSNP rs1555581191, ClinGen allele CA400679424.

ClinVar aggregate classification (germline): Uncertain significance. Review status: criteria provided, multiple submitters, no conflicts (2 of 4 stars). 4 submissions from 4 submitters: Uncertain significance (4). Last evaluated 2025-10-13.

Conditions:
Colorectal cancer. Also called: Malignant Colorectal Neoplasm; Colorectal cancer, somatic. Identifiers: MedGen C0346629, MONDO:0005575, OMIM 114500.
Hereditary cancer-predisposing syndrome. Also called: Hereditary neoplastic syndrome; Tumor predisposition; Neoplastic Syndromes, Hereditary; Hereditary Cancer Syndrome. Identifiers: Orphanet 140162, MedGen C0027672, MeSH D009386, MONDO:0015356.
Oligodontia-cancer predisposition syndrome. Also called: TOOTH AGENESIS-COLORECTAL CANCER SYNDROME. Identifiers: Orphanet 300576, MedGen C1837750, MONDO:0012075, OMIM 608615. Disease mechanism: loss of function.

Allele frequency attached by ClinVar (database versions not stated): gnomAD exomes below 0.00001.
gnomAD v4.1: 2 of 1,612,758 alleles (0.00012%); highest among the groups gnomAD compares: Middle Eastern, 0.033%; no homozygotes.

Submissions (5):

Labcorp Genetics (formerly Invitae), Labcorp
Classification: Uncertain significance for Oligodontia-cancer predisposition syndrome. Last evaluated: 2025-10-13. Review status: criteria provided, single submitter. Criteria: Invitae Variant Classification Sherloc (09022015). Collection method: clinical testing. Allele origin: germline.
Comment: This sequence change replaces serine, which is neutral and polar, with glycine, which is neutral and non-polar, at codon 318 of the AXIN2 protein (p.Ser318Gly). This variant is not present in population databases (gnomAD no frequency). This missense change has been observed in individual(s) with colorectal cancer (PMID: 39120161). ClinVar contains an entry for this variant (Variation ID: 533173). Invitae Evidence Modeling of protein sequence and biophysical properties (such as structural, functional, and spatial information, amino acid conservation, physicochemical variation, residue mobility, and thermodynamic stability) indicates that this missense variant is expected to disrupt AXIN2 protein function with a positive predictive value of 80%. RNA analysis performed to evaluate the impact of this missense change on mRNA splicing indicates it does not significantly alter splicing (internal data). In summary, the available evidence is currently insufficient to determine the role of this variant in disease. Therefore, it has been classified as a Variant of Uncertain Significance.

Blueprint Genetics
Classification: Uncertain significance. Last evaluated: 2024-08-19. Review status: criteria provided, single submitter. Criteria: ACMG Guidelines, 2015. Collection method: clinical testing. Allele origin: germline.

Ambry Genetics
Classification: Uncertain significance for Hereditary cancer-predisposing syndrome. Last evaluated: 2023-08-24. Review status: criteria provided, single submitter. Criteria: Ambry Variant Classification Scheme 2023. Collection method: clinical testing. Allele origin: germline.
Comment: The p.S318G variant (also known as c.952A>G), located in coding exon 2 of the AXIN2 gene, results from an A to G substitution at nucleotide position 952. The serine at codon 318 is replaced by glycine, an amino acid with similar properties. This amino acid position is highly conserved in available vertebrate species. In addition, this alteration is predicted to be deleterious by in silico analysis. Since supporting evidence is limited at this time, the clinical significance of this alteration remains unclear.

Baylor Genetics
Classification: Uncertain significance for Colorectal cancer. Last evaluated: 2023-03-09. Review status: criteria provided, single submitter. Criteria: ACMG Guidelines, 2015. Collection method: clinical testing. Allele origin: unknown.

Dr. Peter K. Rogan Lab, Western University
No classification provided (evidence only). Condition: Thyroid cancer, nonmedullary, 1. Review status: no classification provided. Collection method: in vitro. Allele origin: not applicable. Functional consequence: retained intron. Not counted in ClinVar's aggregate classification.

Literature cited by the submitters: PubMed 39120161 (cited by Labcorp Genetics (formerly Invitae), Labcorp).